The following is an entry in ClinVar:

NM_002335.4(LRP5):c.2616C>G (p.Asp872Glu)

Gene: LRP5 (LDL receptor related protein 5; plus strand). Cytogenetic location: 11q13.2.
Variant type: single nucleotide variant.
Coding change: c.2616C>G on transcript NM_002335.4 (MANE Select); coding-DNA position 2616, C replaced by G.
Protein change: p.Asp872Glu; replaces aspartic acid 872 with glutamic acid.
Molecular consequence: missense variant.
Genome position (GRCh38, 1-based): chr11:68,413,801, C>G. VCF-style: chr11-68413801-C-G. GRCh37 (hg19) VCF-style: chr11-68181269-C-G.
Other names: c.873C>G, p.Asp291Glu (NM_001291902.2); short protein forms D291E, D872E.
Identifiers: ClinVar variation 4751798 (VCV004751798.1).

ClinVar aggregate classification (germline): Uncertain significance (1 of 4 stars; one submission).

gnomAD v4.1: 21 of 1,613,626 alleles (0.0013%); highest among the groups gnomAD compares: South Asian, 0.021%; no homozygotes.

Submission:

Labcorp Genetics (formerly Invitae), Labcorp
Classification: Uncertain significance. Last evaluated: 2025-03-16. Review status: criteria provided, single submitter. Criteria: Invitae Variant Classification Sherloc (09022015). Collection method: clinical testing. Allele origin: germline.
Comment: This sequence change replaces aspartic acid, which is acidic and polar, with glutamic acid, which is acidic and polar, at codon 872 of the LRP5 protein (p.Asp872Glu). This variant is present in population databases (rs771134762, gnomAD 0.02%). This variant has not been reported in the literature in individuals affected with LRP5-related conditions. Invitae Evidence Modeling of protein sequence and biophysical properties (such as structural, functional, and spatial information, amino acid conservation, physicochemical variation, residue mobility, and thermodynamic stability) indicates that this missense variant is not expected to disrupt LRP5 protein function with a negative predictive value of 95%. In summary, the available evidence is currently insufficient to determine the role of this variant in disease. Therefore, it has been classified as a Variant of Uncertain Significance.